The following is an entry in ClinVar:

ClinVar aggregate classification (germline): Uncertain significance. Review status: criteria provided, multiple submitters, no conflicts (2 of 4 stars). 2 submissions from 2 submitters: Uncertain significance (2). Last evaluated 2025-12-04.

Conditions:
Wilson disease (WND). Also called: Wilson's disease. Identifiers: Orphanet 905, MedGen C0019202, MONDO:0010200, OMIM 277900. Disease mechanism: loss of function.
Inborn genetic diseases. Identifiers: MedGen C0950123, MeSH D030342.

Allele frequency attached by ClinVar (database versions not stated): gnomAD 0.00001; TOPMed 0.00001.
gnomAD v4.1: 1 of 1,614,042 alleles (0.000062%); highest among the groups gnomAD compares: African/African-American, 0.0013%; no homozygotes.

Submissions (2):

Ambry Genetics
Classification: Uncertain significance for Inborn genetic diseases. Last evaluated: 2025-12-04. Review status: criteria provided, single submitter. Criteria: Ambry Variant Classification Scheme 2023. Collection method: clinical testing. Allele origin: germline.

All of Us Research Program, National Institutes of Health
Classification: Uncertain significance for Wilson disease. Last evaluated: 2023-11-02. Review status: criteria provided, single submitter. Criteria: ACMG Guidelines, 2015. Collection method: clinical testing. Allele origin: germline. Inheritance: Autosomal recessive inheritance. Observed: 1 variant allele, 1 heterozygote.
Comment: This missense variant replaces aspartic acid with asparagine at codon 1408 of the ATP7B protein. Computational prediction suggests that this variant may not impact protein structure and function (internally defined REVEL score threshold <= 0.5, PMID: 27666373). To our knowledge, functional studies have not been reported for this variant. This variant has not been reported in individuals affected with ATP7B-related disorders in the literature. This variant has not been identified in the general population by the Genome Aggregation Database (gnomAD). The available evidence is insufficient to determine the role of this variant in disease conclusively. Therefore, this variant is classified as a Variant of Uncertain Significance.

This study involves interpretation of variants in research participants for the purpose of population health screening. Participant phenotype was not available at the time of variant classification. Additional details can be found in publication PMID: 35346344, PMCID: PMC8962531

NM_000053.4(ATP7B):c.4222G>A (p.Asp1408Asn)

Gene: ATP7B (ATPase copper transporting beta; minus strand). Cytogenetic location: 13q14.3.
Variant type: single nucleotide variant.
Coding change: c.4222G>A on transcript NM_000053.4 (MANE Select); coding-DNA position 4222, G replaced by A.
Protein change: p.Asp1408Asn; replaces aspartic acid 1408 with asparagine.
Molecular consequence: missense variant.
Genome position (GRCh38, 1-based): chr13:51,934,932, C>T on the plus strand (G>A on the coding strand, the complement: ATP7B is on the minus strand). VCF-style: chr13-51934932-C-T. GRCh37 (hg19) VCF-style: chr13-52509068-C-T.
Other names: c.3934G>A, p.Asp1312Asn (NM_001406534.1); c.3892G>A, p.Asp1298Asn (NM_001406535.1, NM_001406536.1); c.3883G>A, p.Asp1295Asn (NM_001406537.1); c.3844G>A, p.Asp1282Asn (NM_001406538.1); c.3793G>A, p.Asp1265Asn (NM_001406539.1); c.3775G>A, p.Asp1259Asn (NM_001406540.1); c.3736G>A, p.Asp1246Asn (NM_001406541.1, NM_001406542.1); c.4027G>A, p.Asp1343Asn (NM_001406525.1); and 22 more; short protein forms D1127N, D1181N, D1192N, D1201N, D1214N, D1244N, D1246N, D1259N.
Identifiers: ClinVar variation 3074367 (VCV003074367.2), dbSNP rs1156360500, ClinGen allele CA388019536.